The following is an entry in ClinVar:

ClinVar aggregate classification (germline): Uncertain significance. Review status: criteria provided, multiple submitters, no conflicts (2 of 4 stars). 4 submissions from 4 submitters: Uncertain significance (2). 2 of the submissions do not count toward it. Last evaluated 2024-09-15.

Conditions:
Pituitary adenoma 5, multiple types. Identifiers: MedGen C4539685, MONDO:0054601, OMIM 617540.
Usher syndrome type 1 (USH1). Also called: RETINITIS PIGMENTOSA AND CONGENITAL DEAFNESS. Identifiers: Orphanet 231169, Orphanet 886, MedGen C1568247, MONDO:0010168, OMIM 276900.

Allele frequency attached by ClinVar (database versions not stated): ESP Exome Variant Server 0.00008; gnomAD 0.00001; gnomAD exomes 0.00003; TOPMed 0.00003; ExAC 0.00005.
gnomAD v4.1: 20 of 1,610,934 alleles (0.0012%); highest among the groups gnomAD compares: Admixed American, 0.005%; no homozygotes.

Submissions (4):

Labcorp Genetics (formerly Invitae), Labcorp
Classification: Uncertain significance. Last evaluated: 2024-09-15. Review status: criteria provided, single submitter. Criteria: Invitae Variant Classification Sherloc (09022015). Collection method: clinical testing. Allele origin: germline.
Comment: This sequence change replaces aspartic acid, which is acidic and polar, with asparagine, which is neutral and polar, at codon 3296 of the CDH23 protein (p.Asp3296Asn). This variant is present in population databases (rs372388344, gnomAD 0.009%). This missense change has been observed in individual(s) with retinal dystrophy (PMID: 36460718). ClinVar contains an entry for this variant (Variation ID: 437905). Invitae Evidence Modeling of protein sequence and biophysical properties (such as structural, functional, and spatial information, amino acid conservation, physicochemical variation, residue mobility, and thermodynamic stability) indicates that this missense variant is not expected to disrupt CDH23 protein function with a negative predictive value of 95%. In summary, the available evidence is currently insufficient to determine the role of this variant in disease. Therefore, it has been classified as a Variant of Uncertain Significance.

Blueprint Genetics
Classification: Uncertain significance. Last evaluated: 2019-03-01. Review status: criteria provided, single submitter. Criteria: ACMG Guidelines, 2015. Collection method: clinical testing. Allele origin: germline.

Natera, Inc.
Classification: Uncertain significance for Usher syndrome type 1. Last evaluated: 2020-09-16. Review status: no assertion criteria provided. Collection method: clinical testing. Allele origin: germline. Not counted in ClinVar's aggregate classification.

OMIM
Classification: Pathogenic for PITUITARY ADENOMA 5, NONFUNCTIONAL. Last evaluated: 2017-09-27. Review status: no assertion criteria provided. Collection method: literature only. Allele origin: germline. Not counted in ClinVar's aggregate classification.

Literature cited by the submitters: PubMed 36460718 (cited by Labcorp Genetics (formerly Invitae), Labcorp); PubMed 28413019 (cited by OMIM).

NM_022124.6(CDH23):c.9886G>A (p.Asp3296Asn)

Gene: CDH23 (cadherin related 23; plus strand). Cytogenetic location: 10q22.1.
Variant type: single nucleotide variant.
Coding change: c.9886G>A on transcript NM_022124.6 (MANE Select); coding-DNA position 9886, G replaced by A.
Protein change: p.Asp3296Asn; replaces aspartic acid 3296 with asparagine.
Molecular consequence: missense variant.
Genome position (GRCh38, 1-based): chr10:71,815,099, G>A. VCF-style: chr10-71815099-G-A. GRCh37 (hg19) VCF-style: chr10-73574856-G-A.
Other names: c.3166G>A, p.Asp1056Asn (NM_001171933.1); c.3061G>A, p.Asp1021Asn (NM_001171934.1); c.577G>A, p.Asp193Asn (NM_001171935.1); c.472G>A, p.Asp158Asn (NM_001171936.1); short protein forms D3296N, D1021N, D1056N, D158N, D193N.
Identifiers: ClinVar variation 437905 (VCV000437905.8), dbSNP rs372388344, ClinGen allele CA5547202.